The following is an entry in ClinVar:

ClinVar aggregate classification (germline): Uncertain significance. Review status: criteria provided, multiple submitters, no conflicts (2 of 4 stars). 2 submissions from 2 submitters: Uncertain significance (2). Last evaluated 2026-04-02.

Conditions:
Inborn genetic diseases. Identifiers: MedGen C0950123, MeSH D030342.

Allele frequency attached by ClinVar (database versions not stated): TOPMed 0.00002; gnomAD 0.00001; ExAC 0.00006; gnomAD exomes 0.00007.

Submissions (2):

GeneDx
Classification: Uncertain significance. Last evaluated: 2026-04-02. Review status: criteria provided, single submitter. Criteria: GeneDx Variant Classification Process June 2021. Collection method: clinical testing. Allele origin: germline.
Comment: Not observed at significant frequency in large population cohorts (gnomAD); In silico analysis suggests that this missense variant does not alter protein structure/function; Has not been previously published as pathogenic or benign to our knowledge

Ambry Genetics
Classification: Uncertain significance for Inborn genetic diseases. Last evaluated: 2022-12-21. Review status: criteria provided, single submitter. Criteria: Ambry Variant Classification Scheme 2023. Collection method: clinical testing. Allele origin: germline.

NM_020442.6(VARS2):c.800C>T (p.Ala267Val)

Gene: VARS2 (valyl-tRNA synthetase 2, mitochondrial; plus strand). Cytogenetic location: 6p21.33.
Variant type: single nucleotide variant.
Coding change: c.800C>T on transcript NM_020442.6 (MANE Select); coding-DNA position 800, C replaced by T.
Protein change: p.Ala267Val; replaces alanine 267 with valine.
Molecular consequence: missense variant.
Genome position (GRCh38, 1-based): chr6:30,917,151, C>T. VCF-style: chr6-30917151-C-T. GRCh37 (hg19) VCF-style: chr6-30884928-C-T.
Other names: c.380C>T, p.Ala127Val (NM_001167733.3); c.890C>T, p.Ala297Val (NM_001167734.2); short protein forms A127V, A267V, A297V.
Identifiers: ClinVar variation 2393827 (VCV002393827.3), dbSNP rs776062047, ClinGen allele CA3705736.
Genomic context (GRCh38, chr6:30,917,151, plus strand): 5'-TCAGGTCATTCCAGGGCTCCTCAGTGGCTGTGACTGAAGCTTTTGTGCGGCTCTACAAGG[C>T]GGGGTTGCTGTACCGGAACCATCAGCTTGTCAACTGGTCATGTGCTTTAAGATCAGCCAT-3'
Protein context (NP_065175.4, residues 257-277): VTEAFVRLYK[Ala267Val]GLLYRNHQLV